The following is an entry in ClinVar:

ClinVar aggregate classification (germline): Pathogenic (1 of 4 stars; one submission).

Conditions:
Spastic paraplegia. Identifiers: MedGen C0037772, HP:0001258.

Submission:

Labcorp Genetics (formerly Invitae), Labcorp
Classification: Pathogenic for Spastic paraplegia. Last evaluated: 2024-02-07. Review status: criteria provided, single submitter. Criteria: Invitae Variant Classification Sherloc (09022015). Collection method: clinical testing. Allele origin: germline.
Comment: This sequence change creates a premature translational stop signal (p.Tyr1246*) in the SACS gene. While this is not anticipated to result in nonsense mediated decay, it is expected to disrupt the last 3334 amino acid(s) of the SACS protein. This variant is not present in population databases (gnomAD no frequency). This variant has not been reported in the literature in individuals affected with SACS-related conditions. This variant disrupts a region of the SACS protein in which other variant(s) (p.Tyr4538*) have been determined to be pathogenic (Invitae). This suggests that this is a clinically significant region of the protein, and that variants that disrupt it are likely to be disease-causing. For these reasons, this variant has been classified as Pathogenic.

NM_014363.6(SACS):c.3738T>A (p.Tyr1246Ter)

Gene: SACS (sacsin molecular chaperone; minus strand). Cytogenetic location: 13q12.12.
Variant type: single nucleotide variant.
Coding change: c.3738T>A on transcript NM_014363.6 (MANE Select); coding-DNA position 3738, T replaced by A.
Protein change: p.Tyr1246Ter; replaces tyrosine 1246 with a stop codon.
Molecular consequence: nonsense.
Genome position (GRCh38, 1-based): chr13:23,340,138, A>T on the plus strand (T>A on the coding strand, the complement: SACS is on the minus strand). VCF-style: chr13-23340138-A-T. GRCh37 (hg19) VCF-style: chr13-23914277-A-T.
Other names: c.3297T>A, p.Tyr1099Ter (NM_001278055.2); short protein forms Y1246*, Y1099*.
Identifiers: ClinVar variation 3639423 (VCV003639423.2).
Genomic context (GRCh38, chr13:23,340,138, plus strand): 5'-CCCTTCATTTAGATGATCATGCATGAATCCGTAAATCTCAAGCAAAATATGCTGGAATTG[A>T]TAGTAGTCTTCATCACTAAAGGTTTTTGAAGAATACCAATCAACAACAATTTTAAAGTGT-3'